The following is an entry in ClinVar:

ClinVar aggregate classification (germline): Uncertain significance (1 of 4 stars; one submission).

Conditions:
Congenital myasthenic syndrome 8. Also called: MYASTHENIC SYNDROME, CONGENITAL, DUE TO AGRIN DEFICIENCY; Myasthenic syndrome, congenital, 8, with pre- and postsynaptic defects. Identifiers: Orphanet 590, MedGen C3808739, MONDO:0014052, OMIM 615120.

Allele frequency attached by ClinVar (database versions not stated): gnomAD 0.00001; gnomAD exomes 0.00001; TOPMed 0.00002.
gnomAD v4.1: 25 of 1,543,920 alleles (0.0016%); highest among the groups gnomAD compares: Non-Finnish European, 0.0019%; no homozygotes.

Submission:

Labcorp Genetics (formerly Invitae), Labcorp
Classification: Uncertain significance for Congenital myasthenic syndrome 8. Last evaluated: 2023-08-14. Review status: criteria provided, single submitter. Criteria: Invitae Variant Classification Sherloc (09022015). Collection method: clinical testing. Allele origin: germline.
Comment: In summary, the available evidence is currently insufficient to determine the role of this variant in disease. Therefore, it has been classified as a Variant of Uncertain Significance. Algorithms developed to predict the effect of missense changes on protein structure and function output the following: SIFT: "Not Available"; PolyPhen-2: "Benign"; Align-GVGD: "Not Available". The arginine amino acid residue is found in multiple mammalian species, which suggests that this missense change does not adversely affect protein function. This variant has not been reported in the literature in individuals affected with AGRN-related conditions. This variant is present in population databases (no rsID available, gnomAD 0.004%). This sequence change replaces glutamine, which is neutral and polar, with arginine, which is basic and polar, at codon 1327 of the AGRN protein (p.Gln1327Arg).

NM_198576.4(AGRN):c.3980A>G (p.Gln1327Arg)

Gene: AGRN (agrin; plus strand). Cytogenetic location: 1p36.33.
Variant type: single nucleotide variant.
Coding change: c.3980A>G on transcript NM_198576.4 (MANE Select); coding-DNA position 3980, A replaced by G.
Protein change: p.Gln1327Arg; replaces glutamine 1327 with arginine.
Molecular consequence: missense variant.
Genome position (GRCh38, 1-based): chr1:1,048,240, A>G. VCF-style: chr1-1048240-A-G. GRCh37 (hg19) VCF-style: chr1-983620-A-G.
Other names: c.3980A>G, p.Gln1327Arg (NM_001305275.2); c.3665A>G, p.Gln1222Arg (NM_001364727.2); short protein forms Q1222R, Q1327R.
Identifiers: ClinVar variation 2764475 (VCV002764475.2), dbSNP rs1003669803, ClinGen allele CA16760355.